The following is an entry in ClinVar:

NM_006912.6(RIT1):c.256C>T (p.Arg86Trp)

Gene: RIT1 (Ras like without CAAX 1; minus strand). Cytogenetic location: 1q22.
Variant type: single nucleotide variant.
Coding change: c.256C>T on transcript NM_006912.6 (MANE Select); coding-DNA position 256, C replaced by T.
Protein change: p.Arg86Trp; replaces arginine 86 with tryptophan.
Molecular consequence: missense variant.
Genome position (GRCh38, 1-based): chr1:155,904,484, G>A on the plus strand (C>T on the coding strand, the complement: RIT1 is on the minus strand). VCF-style: chr1-155904484-G-A. GRCh37 (hg19) VCF-style: chr1-155874275-G-A.
Other names: c.148C>T, p.Arg50Trp (NM_001256820.2); c.307C>T, p.Arg103Trp (NM_001256821.2); short protein forms R50W, R86W, R103W.
Identifiers: ClinVar variation 2191798 (VCV002191798.5), dbSNP rs1420077819, ClinGen allele CA342802878.

ClinVar aggregate classification (germline): Uncertain significance. Review status: criteria provided, multiple submitters, no conflicts (2 of 4 stars). 2 submissions from 2 submitters: Uncertain significance (2). Last evaluated 2025-07-01.

Conditions:
Noonan syndrome 8 (NS8). Identifiers: Orphanet 648, MedGen C3809233, MONDO:0014143, OMIM 615355.

Submissions (2):

Labcorp Genetics (formerly Invitae), Labcorp
Classification: Uncertain significance for Noonan syndrome 8. Last evaluated: 2025-07-01. Review status: criteria provided, single submitter. Criteria: Invitae Variant Classification Sherloc (09022015). Collection method: clinical testing. Allele origin: germline.
Comment: This sequence change replaces arginine, which is basic and polar, with tryptophan, which is neutral and slightly polar, at codon 86 of the RIT1 protein (p.Arg86Trp). The frequency data for this variant in the population databases is considered unreliable, as metrics indicate poor data quality at this position in the gnomAD database. This variant has not been reported in the literature in individuals affected with RIT1-related conditions. ClinVar contains an entry for this variant (Variation ID: 2191798). Invitae Evidence Modeling of protein sequence and biophysical properties (such as structural, functional, and spatial information, amino acid conservation, physicochemical variation, residue mobility, and thermodynamic stability) indicates that this missense variant is expected to disrupt RIT1 protein function with a positive predictive value of 95%. In summary, the available evidence is currently insufficient to determine the role of this variant in disease. Therefore, it has been classified as a Variant of Uncertain Significance.

Blueprint Genetics
Classification: Uncertain significance. Last evaluated: 2022-01-17. Review status: criteria provided, single submitter. Criteria: ACMG Guidelines, 2015. Collection method: clinical testing. Allele origin: germline.